The following is an entry in ClinVar:

NM_170606.3(KMT2C):c.6547C>T (p.Pro2183Ser)

Gene: KMT2C (lysine methyltransferase 2C; minus strand). Cytogenetic location: 7q36.1.
Variant type: single nucleotide variant.
Coding change: c.6547C>T on transcript NM_170606.3 (MANE Select); coding-DNA position 6547, C replaced by T.
Protein change: p.Pro2183Ser; replaces proline 2183 with serine.
Molecular consequence: missense variant.
Genome position (GRCh38, 1-based): chr7:152,181,313, G>A on the plus strand (C>T on the coding strand, the complement: KMT2C is on the minus strand). VCF-style: chr7-152181313-G-A. GRCh37 (hg19) VCF-style: chr7-151878398-G-A.
Other names: short protein forms P2183S.
Identifiers: ClinVar variation 2853384 (VCV002853384.3), dbSNP rs2129119844, ClinGen allele CA370092800.

ClinVar aggregate classification (germline): Uncertain significance (1 of 4 stars; one submission).

Submission:

Labcorp Genetics (formerly Invitae), Labcorp
Classification: Uncertain significance. Last evaluated: 2023-04-07. Review status: criteria provided, single submitter. Criteria: Invitae Variant Classification Sherloc (09022015). Collection method: clinical testing. Allele origin: germline.
Comment: This sequence change replaces proline, which is neutral and non-polar, with serine, which is neutral and polar, at codon 2183 of the KMT2C protein (p.Pro2183Ser). This variant is not present in population databases (gnomAD no frequency). This variant has not been reported in the literature in individuals affected with KMT2C-related conditions. An algorithm developed to predict the effect of missense changes on protein structure and function (PolyPhen-2) suggests that this variant is likely to be disruptive. In summary, the available evidence is currently insufficient to determine the role of this variant in disease. Therefore, it has been classified as a Variant of Uncertain Significance.